The following is an entry in ClinVar:

NM_001386795.1(DTNA):c.2168C>T (p.Thr723Met)

Gene: DTNA (dystrobrevin alpha; plus strand). Cytogenetic location: 18q12.1.
Variant type: single nucleotide variant.
Coding change: c.2168C>T on transcript NM_001386795.1 (MANE Select); coding-DNA position 2168, C replaced by T.
Protein change: p.Thr723Met; replaces threonine 723 with methionine.
Molecular consequence: missense variant.
Genome position (GRCh38, 1-based): chr18:34,882,074, C>T. VCF-style: chr18-34882074-C-T. GRCh37 (hg19) VCF-style: chr18-32462038-C-T.
Other names: c.1907C>T, p.Thr636Met (NM_001198938.2, NM_001386763.1, NM_001386764.1 and 5 more transcripts); c.1928C>T, p.Thr643Met (NM_001198939.2); c.1997C>T, p.Thr666Met (NM_001386759.1, NM_001386754.1, NM_001386755.1 and 3 more transcripts); c.1994C>T, p.Thr665Met (NM_001386760.1); c.1916C>T, p.Thr639Met (NM_001386761.1, NM_032975.4); c.1913C>T, p.Thr638Met (NM_001386762.1); c.1214C>T, p.Thr405Met (NM_001198942.1); c.1157C>T, p.Thr386Met (NM_001198943.1); and 5 more; short protein forms T405M, T639M, T696M, T636M, T344M, T643M, T348M, T386M.
Identifiers: ClinVar variation 222594 (VCV000222594.13), dbSNP rs200977103, ClinGen allele CA088400.

ClinVar aggregate classification (germline): Conflicting classifications of pathogenicity. Review status: criteria provided, conflicting classifications (1 of 4 stars). 5 submissions from 5 submitters: Uncertain significance (2); Likely benign (1). 2 of the submissions do not count toward it. Last evaluated 2026-04-01.

Conditions:
Left ventricular noncompaction 1 (LVNC1). Also called: LEFT VENTRICULAR NONCOMPACTION 1 WITH OR WITHOUT CONGENITAL HEART DEFECTS. Identifiers: Orphanet 54260, MedGen C1858725, MONDO:0011403, OMIM 604169.

Allele frequency attached by ClinVar (database versions not stated): 1000 Genomes Project 30x 0.00031; TOPMed below 0.00001; gnomAD exomes 0.00002 and 0.00004; ExAC 0.00003; gnomAD 0.00004; 1000 Genomes Project 0.00020.
gnomAD v4.1: 60 of 1,614,014 alleles (0.0037%); highest among the groups gnomAD compares: Non-Finnish European, 0.0046%; no homozygotes.

Submissions (5):

CeGaT Center for Human Genetics Tuebingen
Classification: Likely benign. Last evaluated: 2026-04-01. Review status: criteria provided, single submitter. Criteria: CeGaT Center For Human Genetics Tuebingen Variant Classification Criteria Version 2. Collection method: clinical testing. Allele origin: germline. Affected: yes. Observed: 1 variant allele.
Comment: DTNA: BP4

Labcorp Genetics (formerly Invitae), Labcorp
Classification: Uncertain significance for Left ventricular noncompaction 1. Last evaluated: 2025-12-30. Review status: criteria provided, single submitter. Criteria: Invitae Variant Classification Sherloc (09022015). Collection method: clinical testing. Allele origin: germline.
Comment: This sequence change replaces threonine, which is neutral and polar, with methionine, which is neutral and non-polar, at codon 696 of the DTNA protein (p.Thr696Met). This variant is present in population databases (rs200977103, gnomAD 0.006%). This variant has not been reported in the literature in individuals affected with DTNA-related conditions. ClinVar contains an entry for this variant (Variation ID: 222594). An algorithm developed to predict the effect of missense changes on protein structure and function (PolyPhen-2) suggests that this variant is likely to be tolerated. In summary, the available evidence is currently insufficient to determine the role of this variant in disease. Therefore, it has been classified as a Variant of Uncertain Significance.

Blueprint Genetics
Classification: Uncertain significance. Last evaluated: 2024-11-11. Review status: criteria provided, single submitter. Criteria: ACMG Guidelines, 2015. Collection method: clinical testing. Allele origin: germline.

Diagnostic Laboratory, Department of Genetics, University Medical Center Groningen
Classification: Uncertain significance. Review status: no assertion criteria provided. Collection method: clinical testing. Allele origin: germline. Affected: yes. Study: VKGL Data-share Consensus. Not counted in ClinVar's aggregate classification.

Genome Diagnostics Laboratory, University Medical Center Utrecht
Classification: Uncertain significance. Review status: no assertion criteria provided. Collection method: clinical testing. Allele origin: germline. Affected: yes. Study: VKGL Data-share Consensus. Not counted in ClinVar's aggregate classification.